The following is an entry in ClinVar:

ClinVar aggregate classification (germline): Uncertain significance (1 of 4 stars; one submission).

gnomAD v4.1: 1 of 1,613,382 alleles (0.000062%); highest among the groups gnomAD compares: Non-Finnish European, 0.000085%; no homozygotes.

Submission:

GeneDx
Classification: Uncertain significance. Last evaluated: 2024-09-30. Review status: criteria provided, single submitter. Criteria: GeneDx Variant Classification Process June 2021. Collection method: clinical testing. Allele origin: germline. Affected: yes.
Comment: Not observed at significant frequency in large population cohorts (gnomAD); In silico analysis supports that this missense variant has a deleterious effect on protein structure/function; Has not been previously published as pathogenic or benign to our knowledge

NM_001127222.2(CACNA1A):c.6152C>T (p.Pro2051Leu)

Gene: CACNA1A (calcium voltage-gated channel subunit alpha1 A; minus strand). Cytogenetic location: 19p13.13.
Variant type: single nucleotide variant.
Coding change: c.6152C>T on transcript NM_001127222.2 (MANE Select); coding-DNA position 6152, C replaced by T.
Protein change: p.Pro2051Leu; replaces proline 2051 with leucine.
Molecular consequence: missense variant.
Genome position (GRCh38, 1-based): chr19:13,212,421, G>A on the plus strand (C>T on the coding strand, the complement: CACNA1A is on the minus strand). VCF-style: chr19-13212421-G-A. GRCh37 (hg19) VCF-style: chr19-13323235-G-A.
Other names: c.6170C>T, p.Pro2057Leu (NM_000068.4, NM_023035.3); c.6155C>T, p.Pro2052Leu (NM_001127221.2); c.6161C>T, p.Pro2054Leu (NM_001174080.2); short protein forms P2051L, P2052L, P2054L, P2057L.
Identifiers: ClinVar variation 3774908 (VCV003774908.1).